The following is an entry in ClinVar:

NM_001111125.3(IQSEC2):c.702_705del (p.Arg235fs)

Gene: IQSEC2 (IQ motif and Sec7 domain ArfGEF 2; minus strand). Cytogenetic location: Xp11.22.
Variant type: Deletion.
Coding change: c.702_705del on transcript NM_001111125.3 (MANE Select); coding-DNA positions 702 to 705, 4 bases deleted (GAGA; older notation c.702_705delGAGA).
Protein change: p.Arg235fs; shifts the reading frame from arginine 235.
Molecular consequence: frameshift variant.
Genome position (GRCh38, 1-based): chrX:53,320,419-53,320,422, TCTC deleted on the plus strand (GAGA on the coding strand, the reverse complement: IQSEC2 is on the minus strand); deleting any 4 consecutive bases within chrX:53,320,419-53,320,423 gives the same sequence; the c. name uses the placement nearest the transcript's 3' end. VCF-style (leftmost placement, unchanged base first): chrX-53320418-TTCTC-T. GRCh37 (hg19) VCF-style: chrX-53349616-TTCTC-T.
Other names: c.702_705del, p.Arg235fs (NM_001410736.1); short protein forms R235fs.
Identifiers: ClinVar variation 2827526 (VCV002827526.3), dbSNP rs2520563603, ClinGen allele CA2739273565.

ClinVar aggregate classification (germline): Pathogenic (1 of 4 stars; one submission).

Conditions:
Intellectual developmental disorder, X-linked 1. Also called: Atkin Flaitz Patil Smith syndrome; Intellectual disability, X-linked 1; MENTAL RETARDATION, X-LINKED 18; MENTAL RETARDATION, X-LINKED 78. Identifiers: Orphanet 777, MedGen C2931498, MONDO:0010656, OMIM 309530.

Submission:

Labcorp Genetics (formerly Invitae), Labcorp
Classification: Pathogenic for Intellectual developmental disorder, X-linked 1. Last evaluated: 2023-01-10. Review status: criteria provided, single submitter. Criteria: Invitae Variant Classification Sherloc (09022015). Collection method: clinical testing. Allele origin: germline.
Comment: For these reasons, this variant has been classified as Pathogenic. This variant has not been reported in the literature in individuals affected with IQSEC2-related conditions. This variant is not present in population databases (gnomAD no frequency). This sequence change creates a premature translational stop signal (p.Arg235Asnfs*21) in the IQSEC2 gene. It is expected to result in an absent or disrupted protein product. Loss-of-function variants in IQSEC2 are known to be pathogenic (PMID: 21686261, 26793055, 27665735).

Literature cited by the submitters: PubMed 21686261; PubMed 26793055; PubMed 27665735.